The following is an entry in ClinVar:

NM_003001.5(SDHC):c.362T>C (p.Val121Ala)

Gene: SDHC (succinate dehydrogenase complex subunit C; plus strand). Cytogenetic location: 1q23.3.
Variant type: single nucleotide variant.
Coding change: c.362T>C on transcript NM_003001.5 (MANE Select); coding-DNA position 362, T replaced by C.
Protein change: p.Val121Ala; replaces valine 121 with alanine.
Molecular consequence: missense variant. On other transcripts: non-coding transcript variant (1), intron variant (3).
Genome position (GRCh38, 1-based): chr1:161,356,797, T>C. VCF-style: chr1-161356797-T-C. GRCh37 (hg19) VCF-style: chr1-161326587-T-C.
Other names: c.260T>C, p.Val87Ala (NM_001035512.3); c.203T>C, p.Val68Ala (NM_001035513.3); c.482T>C, p.Val161Ala (NM_001407115.1); c.305T>C, p.Val102Ala (NM_001407116.1); c.299T>C, p.Val100Ala (NM_001407117.1); c.254T>C, p.Val85Ala (NM_001407118.1); c.251T>C, p.Val84Ala (NM_001407119.1, NM_001407120.1); c.242-5532T>C (NM_001035511.3); and 2 more; short protein forms V100A, V85A, V102A, V161A, V84A, V121A, V68A, V87A.
Identifiers: ClinVar variation 2079349 (VCV002079349.6), dbSNP rs2526537543, ClinGen allele CA343456625.

ClinVar aggregate classification (germline): Uncertain significance. Review status: criteria provided, multiple submitters, no conflicts (2 of 4 stars). 2 submissions from 2 submitters: Uncertain significance (2). Last evaluated 2023-05-28.

Conditions:
Hereditary cancer-predisposing syndrome. Also called: Hereditary neoplastic syndrome; Neoplastic Syndromes, Hereditary; Hereditary Cancer Syndrome; Tumor predisposition. Identifiers: Orphanet 140162, MedGen C0027672, MeSH D009386, MONDO:0015356.
Pheochromocytoma/paraganglioma syndrome 3. Also called: GLOMUS TUMORS, FAMILIAL, 3; Paragangliomas 3; SDHC-Related Hereditary Paraganglioma-Pheochromocytoma Syndrome (Paragangliomas 3); SDHC-Related Hereditary Paraganglioma-Pheochromocytoma Syndrome. Identifiers: Orphanet 29072, MedGen C1854336, MONDO:0011544, OMIM 605373.
Gastrointestinal stromal tumor. Also called: Gastrointestinal stroma tumor; Gastrointestinal stromal tumor, somatic. Identifiers: Orphanet 44890, MedGen C0238198, MeSH D046152, MONDO:0011719, OMIM 606764, HP:0100723.

Allele frequency attached by ClinVar (database versions not stated): gnomAD exomes below 0.00001.
gnomAD v4.1: 3 of 1,614,186 alleles (0.00019%); highest among the groups gnomAD compares: Non-Finnish European, 0.00025%; no homozygotes.

Submissions (2):

Ambry Genetics
Classification: Uncertain significance for Hereditary cancer-predisposing syndrome. Last evaluated: 2023-05-28. Review status: criteria provided, single submitter. Criteria: Ambry Variant Classification Scheme 2023. Collection method: clinical testing. Allele origin: germline.
Comment: The p.V121A variant (also known as c.362T>C), located in coding exon 5 of the SDHC gene, results from a T to C substitution at nucleotide position 362. The valine at codon 121 is replaced by alanine, an amino acid with similar properties. This amino acid position is conserved. In addition, this alteration is predicted to be tolerated by in silico analysis. Since supporting evidence is limited at this time, the clinical significance of this alteration remains unclear.

Labcorp Genetics (formerly Invitae), Labcorp
Classification: Uncertain significance for Pheochromocytoma/paraganglioma syndrome 3; Gastrointestinal stromal tumor. Last evaluated: 2022-05-12. Review status: criteria provided, single submitter. Criteria: Invitae Variant Classification Sherloc (09022015). Collection method: clinical testing. Allele origin: germline.
Comment: In summary, the available evidence is currently insufficient to determine the role of this variant in disease. Therefore, it has been classified as a Variant of Uncertain Significance. Algorithms developed to predict the effect of missense changes on protein structure and function output the following: SIFT: "Tolerated"; PolyPhen-2: "Benign"; Align-GVGD: "Class C0". The alanine amino acid residue is found in multiple mammalian species, which suggests that this missense change does not adversely affect protein function. This variant has not been reported in the literature in individuals affected with SDHC-related conditions. This variant is not present in population databases (gnomAD no frequency). This sequence change replaces valine, which is neutral and non-polar, with alanine, which is neutral and non-polar, at codon 121 of the SDHC protein (p.Val121Ala).